The following is an entry in ClinVar:

ClinVar aggregate classification (germline): Uncertain significance. Review status: criteria provided, multiple submitters, no conflicts (2 of 4 stars). 5 submissions from 5 submitters: Uncertain significance (5). Last evaluated 2026-04-22.

Conditions:
TTN-related disorder. Also called: TTN-related condition; TTN-related disease; TTN-related disorders.

Allele frequency attached by ClinVar (database versions not stated): ExAC 0.00001; gnomAD exomes 0.00001 and 0.00007; TOPMed 0.00003; gnomAD 0.00004.
gnomAD v4.1: 107 of 1,613,740 alleles (0.0066%); highest among the groups gnomAD compares: Non-Finnish European, 0.0086%; no homozygotes.

Submissions (5):

PreventionGenetics, part of Exact Sciences
Classification: Uncertain significance for TTN-related condition. Last evaluated: 2026-04-22. Review status: criteria provided, single submitter. Criteria: ACMG Guidelines, 2015. Collection method: clinical testing. Allele origin: germline.
Comment: The TTN c.97111A>G variant is predicted to result in the amino acid substitution p.Ile32371Val. To our knowledge, this variant has not been reported in the literature. This variant is reported in 0.0023% of alleles in individuals of European (Non-Finnish) descent in gnomAD. At this time, the clinical significance of this variant is uncertain due to the absence of conclusive functional and genetic evidence.

CeGaT Center for Human Genetics Tuebingen
Classification: Uncertain significance. Last evaluated: 2026-01-01. Review status: criteria provided, single submitter. Criteria: CeGaT Center For Human Genetics Tuebingen Variant Classification Criteria Version 2. Collection method: clinical testing. Allele origin: germline. Affected: yes. Observed: 1 variant allele.
Comment: TTN: PM2

Revvity Omics, Revvity
Classification: Uncertain significance. Last evaluated: 2024-07-18. Review status: criteria provided, single submitter. Criteria: ACMG Guidelines, 2015. Collection method: clinical testing. Allele origin: germline.

GeneDx
Classification: Uncertain significance. Last evaluated: 2024-03-15. Review status: criteria provided, single submitter. Criteria: GeneDx Variant Classification Process June 2021. Collection method: clinical testing. Allele origin: germline. Affected: yes.
Comment: Not observed at significant frequency in large population cohorts (gnomAD); Missense variant in a gene in which most reported pathogenic variants are truncating/loss-of-function; Has not been previously published as pathogenic or benign to our knowledge

Laboratory for Molecular Medicine, Mass General Brigham Personalized Medicine
Classification: Uncertain significance. Last evaluated: 2011-12-16. Review status: criteria provided, single submitter. Criteria: LMM Criteria. Collection method: clinical testing. Allele origin: germline. Observed: 1 variant allele.
Comment: Isoleucine at po sition 29803 is conserved across mammals but conservation data is not available for more distant species. This data is insufficient to estimate the impact of t his variant to the protein. Computational analyses (AlignGVGD and SIFT) provide inconsistent predictions (their accuracy is unknown). Additional data is needed to determine the clinical significance of this variant.

NM_001267550.2(TTN):c.97111A>G (p.Ile32371Val)

Genes: TTN (titin; minus strand), TTN-AS1 (TTN antisense RNA 1; plus strand). Cytogenetic location: 2q31.2.
Variant type: single nucleotide variant.
Coding change: c.97111A>G on transcript NM_001267550.2 (MANE Select); coding-DNA position 97111, A replaced by G.
Protein change: p.Ile32371Val; replaces isoleucine 32371 with valine.
Molecular consequence: missense variant.
Genome position (GRCh38, 1-based): chr2:178,542,743, T>C on the plus strand (A>G on the coding strand, the complement: TTN is on the minus strand). VCF-style: chr2-178542743-T-C. GRCh37 (hg19) VCF-style: chr2-179407470-T-C.
Other names: c.89407A>G, p.Ile29803Val (NM_133378.4); c.92188A>G, p.Ile30730Val (NM_001256850.1); c.69916A>G, p.Ile23306Val (NM_003319.4); c.70291A>G, p.Ile23431Val (NM_133432.3); c.70492A>G, p.Ile23498Val (NM_133437.4); c.97111A>G (NM_001267550.1); short protein forms I32371V, I29803V, I23498V, I30730V, I23306V, I23431V.
Identifiers: ClinVar variation 47580 (VCV000047580.12), dbSNP rs397517766, ClinGen allele CA141413.